The following is an entry in ClinVar:

ClinVar aggregate classification (germline): Conflicting classifications of pathogenicity. Review status: criteria provided, conflicting classifications (1 of 4 stars). 8 submissions from 8 submitters: Uncertain significance (1); Likely benign (5). 2 of the submissions do not count toward it. Last evaluated 2025-07-30.

Conditions:
ASXL1-related disorder. Also called: ASXL1-related disorders; ASXL1-related condition.
Inborn genetic diseases. Identifiers: MedGen C0950123, MeSH D030342.
Intellectual disability. Also called: intellectual disabilities; Intellectual functioning disability; Intellectual developmental disorder. Identifiers: MedGen C3714756, MeSH D008607, MONDO:0001071, HP:0001249.

Allele frequency attached by ClinVar (database versions not stated): ExAC 0.00015; ESP Exome Variant Server 0.00015; gnomAD exomes 0.00018 and 0.00044; gnomAD 0.00020 and 0.00024; TOPMed 0.00029.
gnomAD v4.1: 668 of 1,613,482 alleles (0.041%); highest among the groups gnomAD compares: Non-Finnish European, 0.053%; 1 homozygote.

Submissions (8):

Labcorp Genetics (formerly Invitae), Labcorp
Classification: Uncertain significance. Last evaluated: 2025-07-30. Review status: criteria provided, single submitter. Criteria: Invitae Variant Classification Sherloc (09022015). Collection method: clinical testing. Allele origin: germline.
Comment: This sequence change replaces threonine, which is neutral and polar, with methionine, which is neutral and non-polar, at codon 1498 of the ASXL1 protein (p.Thr1498Met). This variant is present in population databases (rs150119795, gnomAD 0.03%), and has an allele count higher than expected for a pathogenic variant. This variant has not been reported in the literature in individuals affected with ASXL1-related conditions. ClinVar contains an entry for this variant (Variation ID: 133590). An algorithm developed to predict the effect of missense changes on protein structure and function (PolyPhen-2) suggests that this variant is likely to be disruptive. In summary, the available evidence is currently insufficient to determine the role of this variant in disease. Therefore, it has been classified as a Variant of Uncertain Significance.

PreventionGenetics, part of Exact Sciences
Classification: Likely benign for ASXL1-related condition. Last evaluated: 2025-05-23. Review status: criteria provided, single submitter. Criteria: ACMG Guidelines, 2015. Collection method: clinical testing. Allele origin: germline.
Comment: This variant is classified as likely benign based on ACMG/AMP sequence variant interpretation guidelines (Richards et al. 2015 PMID: 25741868, with internal and published modifications).

Blueprint Genetics
Classification: Likely benign. Last evaluated: 2024-11-28. Review status: criteria provided, single submitter. Criteria: ACMG Guidelines, 2015. Collection method: clinical testing. Allele origin: germline.

GeneDx
Classification: Likely benign. Last evaluated: 2023-08-31. Review status: criteria provided, single submitter. Criteria: GeneDx Variant Classification Process June 2021. Collection method: clinical testing. Allele origin: germline. Affected: yes.
Comment: See Variant Classification Assertion Criteria.

CeGaT Center for Human Genetics Tuebingen
Classification: Likely benign. Last evaluated: 2022-08-01. Review status: criteria provided, single submitter. Criteria: CeGaT Center For Human Genetics Tuebingen Variant Classification Criteria Version 2. Collection method: clinical testing. Allele origin: germline. Affected: yes. Observed: 3 variant alleles.
Comment: ASXL1: BP4

Ambry Genetics
Classification: Likely benign for Inborn genetic diseases. Last evaluated: 2021-12-30. Review status: criteria provided, single submitter. Criteria: Ambry Variant Classification Scheme 2023. Collection method: clinical testing. Allele origin: germline.

Centre de Biologie Pathologie Génétique, Centre Hospitalier Universitaire de Lille
Classification: Uncertain significance for Intellectual disability. Last evaluated: 2019-01-01. Review status: no assertion criteria provided. Collection method: clinical testing. Allele origin: unknown. Affected: yes. Not counted in ClinVar's aggregate classification.

ITMI
No classification provided. Condition: AllHighlyPenetrant. Last evaluated: 2013-09-19. Review status: no classification provided. Collection method: reference population. Allele origin: germline. Not counted in ClinVar's aggregate classification.
Comment: Please see associated publication for description of ethnicities

Literature cited by the submitters: PubMed 24728327 (cited by ITMI).

NM_015338.6(ASXL1):c.4493C>T (p.Thr1498Met)

Gene: ASXL1 (ASXL transcriptional regulator 1; plus strand). Cytogenetic location: 20q11.21.
Variant type: single nucleotide variant.
Coding change: c.4493C>T on transcript NM_015338.6 (MANE Select); coding-DNA position 4493, C replaced by T.
Protein change: p.Thr1498Met; replaces threonine 1498 with methionine.
Molecular consequence: missense variant.
Genome position (GRCh38, 1-based): chr20:32,437,205, C>T. VCF-style: chr20-32437205-C-T. GRCh37 (hg19) VCF-style: chr20-31025008-C-T.
Other names: c.4310C>T, p.Thr1437Met (NM_001363734.1); short protein forms T1498M, T1437M.
Identifiers: ClinVar variation 133590 (VCV000133590.46), dbSNP rs150119795, ClinGen allele CA157023.